The following is an entry in ClinVar:

ClinVar aggregate classification (germline): Uncertain significance (1 of 4 stars; one submission).

Allele frequency attached by ClinVar (database versions not stated): gnomAD exomes 0.00001; TOPMed 0.00001; ExAC 0.00002; ESP Exome Variant Server 0.00008.
gnomAD v4.1: 16 of 1,614,162 alleles (0.00099%); highest among the groups gnomAD compares: Non-Finnish European, 0.0012%; no homozygotes.

Submission:

Labcorp Genetics (formerly Invitae), Labcorp
Classification: Uncertain significance. Last evaluated: 2023-10-14. Review status: criteria provided, single submitter. Criteria: Invitae Variant Classification Sherloc (09022015). Collection method: clinical testing. Allele origin: germline.
Comment: This sequence change replaces proline, which is neutral and non-polar, with leucine, which is neutral and non-polar, at codon 1108 of the TRPM1 protein (p.Pro1108Leu). This variant is present in population databases (rs373696754, gnomAD 0.003%). This missense change has been observed in individual(s) with inherited retinal disease (PMID: 36460718). This variant is also known as p.Pro1147Leu. ClinVar contains an entry for this variant (Variation ID: 1500767). Advanced modeling of protein sequence and biophysical properties (such as structural, functional, and spatial information, amino acid conservation, physicochemical variation, residue mobility, and thermodynamic stability) has been performed at Invitae for this missense variant, however the output from this modeling did not meet the statistical confidence thresholds required to predict the impact of this variant on TRPM1 protein function. In summary, the available evidence is currently insufficient to determine the role of this variant in disease. Therefore, it has been classified as a Variant of Uncertain Significance.

Literature cited by the submitters: PubMed 36460718.

NM_001252024.2(TRPM1):c.3389C>T (p.Pro1130Leu)

Genes: TRPM1 (transient receptor potential cation channel subfamily M member 1; minus strand), TRPM1-AS1 (TRPM1 antisense RNA 1; plus strand), LOC126862088 (BRD4-independent group 4 enhancer GRCh37_chr15:31318084-31319283; plus strand). Cytogenetic location: 15q13.3.
Variant type: single nucleotide variant.
Coding change: c.3389C>T on transcript NM_001252024.2 (MANE Select); coding-DNA position 3389, C replaced by T.
Protein change: p.Pro1130Leu; replaces proline 1130 with leucine.
Molecular consequence: missense variant.
Genome position (GRCh38, 1-based): chr15:31,027,022, G>A on the plus strand (C>T on the coding strand, the complement: TRPM1 is on the minus strand). VCF-style: chr15-31027022-G-A. GRCh37 (hg19) VCF-style: chr15-31319225-G-A.
Other names: c.3440C>T, p.Pro1147Leu (NM_001252020.2); c.3323C>T, p.Pro1108Leu (NM_002420.6); short protein forms P1108L, P1130L, P1147L.
Identifiers: ClinVar variation 1500767 (VCV001500767.6), dbSNP rs373696754, ClinGen allele CA7451897.